The following is an entry in ClinVar:

NM_001365536.1(SCN9A):c.869T>C (p.Met290Thr)

Gene: SCN9A (sodium voltage-gated channel alpha subunit 9; minus strand). Cytogenetic location: 2q24.3.
Variant type: single nucleotide variant.
Coding change: c.869T>C on transcript NM_001365536.1 (MANE Select); coding-DNA position 869, T replaced by C.
Protein change: p.Met290Thr; replaces methionine 290 with threonine.
Molecular consequence: missense variant.
Genome position (GRCh38, 1-based): chr2:166,303,122, A>G on the plus strand (T>C on the coding strand, the complement: SCN9A is on the minus strand). VCF-style: chr2-166303122-A-G. GRCh37 (hg19) VCF-style: chr2-167159632-A-G.
Other names: c.869T>C, p.Met290Thr (NM_002977.4); short protein forms M290T.
Identifiers: ClinVar variation 2170411 (VCV002170411.4), dbSNP rs1284986715, ClinGen allele CA349092346.

ClinVar aggregate classification (germline): Uncertain significance (1 of 4 stars; one submission).

Conditions:
Generalized epilepsy with febrile seizures plus, type 7 (GEFSP7). Also called: GEFS+, TYPE 7. Identifiers: Orphanet 36387, MedGen C2751778, MONDO:0013470, OMIM 613863.
Neuropathy, hereditary sensory and autonomic, type 2A (HSAN2A). Also called: WNK1-Related HSAN2 (HSAN2A); MORVAN DISEASE; NEUROPATHY, CONGENITAL SENSORY; NEUROPATHY, HEREDITARY SENSORY RADICULAR, AUTOSOMAL RECESSIVE; NEUROPATHY, HEREDITARY SENSORY, TYPE IIA; NEUROPATHY, PROGRESSIVE SENSORY, OF CHILDREN. Identifiers: Orphanet 970, MedGen C2752089, MONDO:0024309, OMIM 201300.

Allele frequency attached by ClinVar (database versions not stated): TOPMed below 0.00001; gnomAD 0.00001.

Submission:

Labcorp Genetics (formerly Invitae), Labcorp
Classification: Uncertain significance for Neuropathy, hereditary sensory and autonomic, type 2A; Generalized epilepsy with febrile seizures plus, type 7. Last evaluated: 2023-07-03. Review status: criteria provided, single submitter. Criteria: Invitae Variant Classification Sherloc (09022015). Collection method: clinical testing. Allele origin: germline.
Comment: This sequence change replaces methionine, which is neutral and non-polar, with threonine, which is neutral and polar, at codon 290 of the SCN9A protein (p.Met290Thr). This variant is not present in population databases (gnomAD no frequency). This variant has not been reported in the literature in individuals affected with SCN9A-related conditions. ClinVar contains an entry for this variant (Variation ID: 2170411). Advanced modeling of protein sequence and biophysical properties (such as structural, functional, and spatial information, amino acid conservation, physicochemical variation, residue mobility, and thermodynamic stability) performed at Invitae indicates that this missense variant is not expected to disrupt SCN9A protein function. In summary, the available evidence is currently insufficient to determine the role of this variant in disease. Therefore, it has been classified as a Variant of Uncertain Significance.